The following is an entry in ClinVar:

ClinVar aggregate classification (germline): Uncertain significance (1 of 4 stars; one submission).

Submission:

Labcorp Genetics (formerly Invitae), Labcorp
Classification: Uncertain significance. Last evaluated: 2024-02-02. Review status: criteria provided, single submitter. Criteria: Invitae Variant Classification Sherloc (09022015). Collection method: clinical testing. Allele origin: germline.
Comment: This sequence change replaces arginine, which is basic and polar, with glycine, which is neutral and non-polar, at codon 530 of the ACAN protein (p.Arg530Gly). This variant is not present in population databases (gnomAD no frequency). This variant has not been reported in the literature in individuals affected with ACAN-related conditions. Advanced modeling of protein sequence and biophysical properties (such as structural, functional, and spatial information, amino acid conservation, physicochemical variation, residue mobility, and thermodynamic stability) performed at Invitae indicates that this missense variant is not expected to disrupt ACAN protein function with a negative predictive value of 80%. In summary, the available evidence is currently insufficient to determine the role of this variant in disease. Therefore, it has been classified as a Variant of Uncertain Significance.

NM_001369268.1(ACAN):c.1588C>G (p.Arg530Gly)

Gene: ACAN (aggrecan; plus strand). Cytogenetic location: 15q26.1.
Variant type: single nucleotide variant.
Coding change: c.1588C>G on transcript NM_001369268.1 (MANE Select); coding-DNA position 1588, C replaced by G.
Protein change: p.Arg530Gly; replaces arginine 530 with glycine.
Molecular consequence: missense variant.
Genome position (GRCh38, 1-based): chr15:88,847,401, C>G. VCF-style: chr15-88847401-C-G. GRCh37 (hg19) VCF-style: chr15-89390632-C-G.
Other names: c.1588C>G, p.Arg530Gly (NM_001135.4, NM_001411096.1, NM_001411097.1 and 1 more transcripts); short protein forms R530G.
Identifiers: ClinVar variation 3606938 (VCV003606938.2).
Genomic context (GRCh38, chr15:88,847,401, plus strand): 5'-CCGGAGCAGCTCCAGGCCGCCTACGAAGCAGGCTATGAGCAGTGTGACGCCGGCTGGCTG[C>G]GGGACCAGACCGTCAGGTGAAGCCATGCTCCTCGCCCAGCCCAAACCCAATTGAAGAGGT-3'
Protein context (NP_001356197.1, residues 520-540): GYEQCDAGWL[Arg530Gly]DQTVRYPIVS